The following is an entry in ClinVar:

NM_000051.4(ATM):c.6199-19_6199-15del

Genes: ATM (ATM serine/threonine kinase; plus strand), C11orf65 (chromosome 11 open reading frame 65; minus strand). Cytogenetic location: 11q22.3.
Variant type: Deletion.
Coding change: c.6199-19_6199-15del on transcript NM_000051.4 (MANE Select); 19 bases into the intron before coding-DNA position 6199 through 15 bases into the intron before coding-DNA position 6199, 5 bases deleted (CAAAA; older notation c.6199-19_6199-15delCAAAA).
Molecular consequence: intron variant.
Genome position (GRCh38, 1-based): chr11:108,317,354-108,317,358, CAAAA deleted; deleting any 5 consecutive bases within chr11:108,317,350-108,317,358 gives the same sequence; the c. name uses the placement nearest the transcript's 3' end. VCF-style (leftmost placement, unchanged base first): chr11-108317349-AAAAAC-A. GRCh37 (hg19) VCF-style: chr11-108188076-AAAAAC-A.
Other names: c.6199-19_6199-15del (NM_001351834.2); c.641-8283_641-8279del (NM_001330368.2); c.*39-8283_*39-8279del (NM_001351110.2).
Identifiers: ClinVar variation 3253913 (VCV003253913.1), dbSNP rs2547112487.

ClinVar aggregate classification (germline): Likely benign (1 of 4 stars; one submission).

Conditions:
Familial cancer of breast. Also called: hereditary breast carcinoma; BREAST CANCER, FAMILIAL; Hereditary breast cancer. Identifiers: Orphanet 227535, MedGen C0346153, MONDO:0016419, OMIM 114480. Disease mechanism: loss of function.

Submission:

Myriad Genetics, Inc.
Classification: Likely benign for Familial cancer of breast. Last evaluated: 2024-06-03. Review status: criteria provided, single submitter. Criteria: Myriad Autosomal Dominant, Autosomal Recessive and X-Linked Classification Criteria (2023). Collection method: clinical testing. Allele origin: unknown.
Comment: This variant is considered likely benign. This variant is intronic and is not expected to impact mRNA splicing.